The following is an entry in ClinVar:

ClinVar aggregate classification (germline): Conflicting classifications of pathogenicity. Review status: criteria provided, conflicting classifications (1 of 4 stars). 2 submissions from 2 submitters: Uncertain significance (1); Likely benign (1). Last evaluated 2025-03-01.

Conditions:
Hereditary cancer-predisposing syndrome. Also called: Neoplastic Syndromes, Hereditary; Tumor predisposition; Hereditary neoplastic syndrome; Hereditary Cancer Syndrome. Identifiers: Orphanet 140162, MedGen C0027672, MeSH D009386, MONDO:0015356.

Allele frequency attached by ClinVar (database versions not stated): gnomAD exomes below 0.00001; ExAC 0.00001.
gnomAD v4.1: 4 of 1,614,242 alleles (0.00025%); highest among the groups gnomAD compares: Non-Finnish European, 0.00025%; no homozygotes.

Submissions (2):

Ambry Genetics
Classification: Likely benign for Hereditary cancer-predisposing syndrome. Last evaluated: 2025-03-01. Review status: criteria provided, single submitter. Criteria: Ambry Variant Classification Scheme 2023. Collection method: clinical testing. Allele origin: germline.

Labcorp Genetics (formerly Invitae), Labcorp
Classification: Uncertain significance. Last evaluated: 2022-10-28. Review status: criteria provided, single submitter. Criteria: Invitae Variant Classification Sherloc (09022015). Collection method: clinical testing. Allele origin: germline.
Comment: In summary, the available evidence is currently insufficient to determine the role of this variant in disease. Therefore, it has been classified as a Variant of Uncertain Significance. Advanced modeling of protein sequence and biophysical properties (such as structural, functional, and spatial information, amino acid conservation, physicochemical variation, residue mobility, and thermodynamic stability) performed at Invitae indicates that this missense variant is not expected to disrupt POLE protein function. This variant has not been reported in the literature in individuals affected with POLE-related conditions. This variant is present in population databases (rs748153279, gnomAD 0.0009%). This sequence change replaces valine, which is neutral and non-polar, with methionine, which is neutral and non-polar, at codon 883 of the POLE protein (p.Val883Met).

NM_006231.4(POLE):c.2647G>A (p.Val883Met)

Gene: POLE (DNA polymerase epsilon, catalytic subunit; minus strand). Cytogenetic location: 12q24.33.
Variant type: single nucleotide variant.
Coding change: c.2647G>A on transcript NM_006231.4 (MANE Select); coding-DNA position 2647, G replaced by A.
Protein change: p.Val883Met; replaces valine 883 with methionine.
Molecular consequence: missense variant.
Genome position (GRCh38, 1-based): chr12:132,664,063, C>T on the plus strand (G>A on the coding strand, the complement: POLE is on the minus strand). VCF-style: chr12-132664063-C-T. GRCh37 (hg19) VCF-style: chr12-133240649-C-T.
Other names: c.2647G>A (NM_006231.2); short protein forms V883M.
Identifiers: ClinVar variation 2727146 (VCV002727146.4), dbSNP rs748153279, ClinGen allele CA6893484.